The following is an entry in ClinVar:

NM_004714.3(DYRK1B):c.*10C>T

Gene: DYRK1B (dual specificity tyrosine phosphorylation regulated kinase 1B; minus strand). Cytogenetic location: 19q13.2.
Variant type: single nucleotide variant.
Coding change: c.*10C>T on transcript NM_004714.3 (MANE Select); 10 bases downstream of the stop codon, C replaced by T.
Molecular consequence: 3 prime UTR variant.
Genome position (GRCh38, 1-based): chr19:39,825,705, G>A on the plus strand (C>T on the coding strand, the complement: DYRK1B is on the minus strand). VCF-style: chr19-39825705-G-A. GRCh37 (hg19) VCF-style: chr19-40316345-G-A.
Other names: c.*10C>T (NM_006483.3, NM_006484.3).
Identifiers: ClinVar variation 4998328 (VCV004998328.1).

ClinVar aggregate classification (germline): Likely benign (1 of 4 stars; one submission).

Conditions:
DYRK1B-related disorder. Also called: DYRK1B-related condition.

Submission:

PreventionGenetics, part of Exact Sciences
Classification: Likely benign for DYRK1B-related condition. Last evaluated: 2025-05-22. Review status: criteria provided, single submitter. Criteria: ACMG Guidelines, 2015. Collection method: clinical testing. Allele origin: germline.
Comment: This variant is classified as likely benign based on ACMG/AMP sequence variant interpretation guidelines (Richards et al. 2015 PMID: 25741868, with internal and published modifications).